The following is an entry in ClinVar:

ClinVar aggregate classification (germline): Likely benign (1 of 4 stars; one submission).

Conditions:
MAPK8IP3-related disorder. Also called: MAPK8IP3-related condition.

gnomAD v4.1: 3 of 1,611,470 alleles (0.00019%); highest among the groups gnomAD compares: Non-Finnish European, 0.00017%; no homozygotes.

Submission:

PreventionGenetics, part of Exact Sciences
Classification: Likely benign for MAPK8IP3-related condition. Last evaluated: 2025-08-13. Review status: criteria provided, single submitter. Criteria: ACMG Guidelines, 2015. Collection method: clinical testing. Allele origin: germline.
Comment: This variant is classified as likely benign based on ACMG/AMP sequence variant interpretation guidelines (Richards et al. 2015 PMID: 25741868, with internal and published modifications).

NM_001318852.2(MAPK8IP3):c.3411C>T (p.Gly1137=)

Gene: MAPK8IP3 (mitogen-activated protein kinase 8 interacting protein 3; plus strand). Cytogenetic location: 16p13.3.
Variant type: single nucleotide variant.
Coding change: c.3411C>T on transcript NM_001318852.2 (MANE Select); coding-DNA position 3411, C replaced by T.
Protein change: p.Gly1137=; no amino-acid change (glycine 1137 retained).
Molecular consequence: synonymous variant.
Genome position (GRCh38, 1-based): chr16:1,767,806, C>T. VCF-style: chr16-1767806-C-T. GRCh37 (hg19) VCF-style: chr16-1817807-C-T.
Other names: c.3390C>T, p.Gly1130= (NM_001040439.2); c.3408C>T, p.Gly1136= (NM_015133.5).
Identifiers: ClinVar variation 4992280 (VCV004992280.1).